The following is an entry in ClinVar:

ClinVar aggregate classification (germline): Benign/Likely benign. Review status: criteria provided, multiple submitters, no conflicts (2 of 4 stars). 3 submissions from 3 submitters: Benign (2); Likely benign (1). Last evaluated 2026-01-28.

Allele frequency attached by ClinVar (database versions not stated): gnomAD exomes 0.00082 and 0.00256; ExAC 0.00302; gnomAD 0.00942 and 0.01006; 1000 Genomes Project 30x 0.00953; 1000 Genomes Project 0.00978; ESP Exome Variant Server 0.00983; TOPMed 0.01059.

Submissions (3):

Labcorp Genetics (formerly Invitae), Labcorp
Classification: Benign. Last evaluated: 2026-01-28. Review status: criteria provided, single submitter. Criteria: Invitae Variant Classification Sherloc (09022015). Collection method: clinical testing. Allele origin: germline.

Center for Pediatric Genomic Medicine, Children's Mercy Hospital and Clinics
Classification: Likely benign. Last evaluated: 2015-09-04. Review status: criteria provided, single submitter. Criteria: ACMG Guidelines, 2015. Collection method: clinical testing. Allele origin: germline.
ClinVar note: Converted during submission from Likely Benign to Likely benign.

GeneDx
Classification: Benign. Last evaluated: 2012-11-28. Review status: criteria provided, single submitter. Criteria: GeneDx Variant Classification (06012015). Collection method: clinical testing. Allele origin: germline. Affected: yes.
Comment: The variant is found in MITONUC-MITOP panel(s).

NM_007103.4(NDUFV1):c.1163-12del

Genes: NDUFV1 (NADH:ubiquinone oxidoreductase core subunit V1; plus strand), LOC126861242 (CDK7 strongly-dependent group 2 enhancer GRCh37_chr11:67379204-67380403; plus strand). Cytogenetic location: 11q13.2.
Variant type: Deletion.
Coding change: c.1163-12del on transcript NM_007103.4 (MANE Select); 12 bases into the intron before coding-DNA position 1163, one base deleted (C; older notation c.1163-12delC).
Molecular consequence: intron variant.
Genome position (GRCh38, 1-based): chr11:67,612,108, C deleted. VCF-style (leftmost placement, unchanged base first): chr11-67612107-GC-G. GRCh37 (hg19) VCF-style: chr11-67379578-GC-G.
Other names: c.1136-12del (NM_001166102.2).
Identifiers: ClinVar variation 214844 (VCV000214844.12), dbSNP rs147787116, ClinGen allele CA323038.